The following is an entry in ClinVar:

ClinVar aggregate classification (germline): Benign. Review status: criteria provided, multiple submitters, no conflicts (2 of 4 stars). 6 submissions from 6 submitters: Benign (3). 3 of the submissions do not count toward it. Last evaluated 2025-07-24.

Conditions:
SLCO1B1-related disorder. Also called: SLCO1B1-related condition.
Rotor syndrome (HBLRR). Also called: HYPERBILIRUBINEMIA, ROTOR TYPE, DIGENIC; HYPERBILIRUBINEMIA, ROTOR TYPE. Identifiers: Orphanet 3111, MedGen C0220991, MONDO:0009379, OMIM 237450.

Allele frequency attached by ClinVar (database versions not stated): 1000 Genomes Project 0.06490; 1000 Genomes Project 30x 0.06871; ExAC 0.11663; gnomAD 0.11855 and 0.12387; TOPMed 0.12149; ESP Exome Variant Server 0.13544.
gnomAD v4.1: 166,787 of 1,507,068 alleles (11%); highest among the groups gnomAD compares: Non-Finnish European, 12%; 11,786 homozygotes.

Submissions (6):

ARUP Laboratories, Molecular Genetics and Genomics, ARUP Laboratories
Classification: Benign for Rotor syndrome. Last evaluated: 2025-07-24. Review status: criteria provided, single submitter. Criteria: ARUP Molecular Germline Variant Investigation Process 2024. Collection method: clinical testing. Allele origin: germline.

Illumina Laboratory Services, Illumina
Classification: Benign for Rotor syndrome. Last evaluated: 2018-03-06. Review status: criteria provided, single submitter. Criteria: ICSL Variant Classification Criteria 13 December 2019. Collection method: clinical testing. Allele origin: germline.
Comment: This variant was observed in the ICSL laboratory as part of a predisposition screen in an ostensibly healthy population. It had not been previously curated by ICSL or reported in the Human Gene Mutation Database (HGMD: prior to June 1st, 2018), and was therefore a candidate for classification through an automated scoring system. Utilizing variant allele frequency, disease prevalence and penetrance estimates, and inheritance mode, an automated score was calculated to assess if this variant is too frequent to cause the disease. Based on the score and internal cut-off values, a variant classified as benign is not then subjected to further curation. The score for this variant resulted in a classification of benign for this disease.

Breakthrough Genomics
Classification: Benign. Review status: criteria provided, single submitter. Criteria: ACMG Guidelines, 2015. Collection method: not provided. Allele origin: germline. Inheritance: Autosomal recessive inheritance. Affected: yes.

PreventionGenetics, part of Exact Sciences
Classification: Likely benign for SLCO1B1-related condition. Last evaluated: 2021-07-21. Review status: no assertion criteria provided. Collection method: clinical testing. Allele origin: germline. Not counted in ClinVar's aggregate classification.
Comment: This variant is classified as likely benign based on ACMG/AMP sequence variant interpretation guidelines (Richards et al. 2015 PMID: 25741868, with internal and published modifications).

Clinical Genetics, Academic Medical Center
Classification: Benign. Review status: no assertion criteria provided. Collection method: clinical testing. Allele origin: germline. Affected: yes. Study: VKGL Data-share Consensus. Not counted in ClinVar's aggregate classification.

Diagnostic Laboratory, Department of Genetics, University Medical Center Groningen
Classification: Benign for Rotor syndrome. Review status: no assertion criteria provided. Collection method: clinical testing. Allele origin: germline. Affected: yes. Study: VKGL Data-share Consensus. Not counted in ClinVar's aggregate classification.

NM_006446.5(SLCO1B1):c.463C>A (p.Pro155Thr)

Gene: SLCO1B1 (solute carrier organic anion transporter family member 1B1; plus strand). Cytogenetic location: 12p12.1.
Variant type: single nucleotide variant.
Coding change: c.463C>A on transcript NM_006446.5 (MANE Select); coding-DNA position 463, C replaced by A.
Protein change: p.Pro155Thr; replaces proline 155 with threonine.
Molecular consequence: missense variant.
Genome position (GRCh38, 1-based): chr12:21,176,879, C>A. VCF-style: chr12-21176879-C-A. GRCh37 (hg19) VCF-style: chr12-21329813-C-A.
Other names: c.463C>A (LRG_1022t1); short protein forms P155T.
Identifiers: ClinVar variation 307937 (VCV000307937.24), dbSNP rs11045819, ClinGen allele CA6476689.